The following is an entry in ClinVar:

NM_020832.3(ZNF687):c.1771G>A (p.Val591Ile)

Gene: ZNF687 (zinc finger protein 687; plus strand). Cytogenetic location: 1q21.3.
Variant type: single nucleotide variant.
Coding change: c.1771G>A on transcript NM_020832.3 (MANE Select); coding-DNA position 1771, G replaced by A.
Protein change: p.Val591Ile; replaces valine 591 with isoleucine.
Molecular consequence: missense variant.
Genome position (GRCh38, 1-based): chr1:151,288,062, G>A. VCF-style: chr1-151288062-G-A. GRCh37 (hg19) VCF-style: chr1-151260538-G-A.
Other names: c.1771G>A, p.Val591Ile (NM_001304763.2, NM_001304764.2); c.1771G>A (NM_020832.1); short protein forms V591I.
Identifiers: ClinVar variation 2919526 (VCV002919526.5), dbSNP rs147341021, ClinGen allele CA1088391.

ClinVar aggregate classification (germline): Uncertain significance. Review status: criteria provided, multiple submitters, no conflicts (2 of 4 stars). 2 submissions from 2 submitters: Uncertain significance (2). Last evaluated 2025-08-25.

Allele frequency attached by ClinVar (database versions not stated): ExAC 0.00005; gnomAD 0.00013; ESP Exome Variant Server 0.00023; gnomAD exomes 0.00001; TOPMed 0.00014; 1000 Genomes Project 30x 0.00016; 1000 Genomes Project 0.00020.

Submissions (2):

Labcorp Genetics (formerly Invitae), Labcorp
Classification: Uncertain significance. Last evaluated: 2025-08-25. Review status: criteria provided, single submitter. Criteria: Invitae Variant Classification Sherloc (09022015). Collection method: clinical testing. Allele origin: germline.
Comment: This sequence change replaces valine, which is neutral and non-polar, with isoleucine, which is neutral and non-polar, at codon 591 of the ZNF687 protein (p.Val591Ile). This variant is present in population databases (rs147341021, gnomAD 0.03%). This variant has not been reported in the literature in individuals affected with ZNF687-related conditions. ClinVar contains an entry for this variant (Variation ID: 2919526). An algorithm developed to predict the effect of missense changes on protein structure and function (PolyPhen-2) suggests that this variant is likely to be disruptive. In summary, the available evidence is currently insufficient to determine the role of this variant in disease. Therefore, it has been classified as a Variant of Uncertain Significance.

Ambry Genetics
Classification: Uncertain significance. Last evaluated: 2025-03-28. Review status: criteria provided, single submitter. Criteria: Ambry Variant Classification Scheme 2023. Collection method: clinical testing. Allele origin: germline.